The following is an entry in ClinVar:

ClinVar aggregate classification (germline): Uncertain significance (1 of 4 stars; one submission).

Conditions:
Autosomal dominant hypocalcemia 1 (HYPOC1). Also called: HYPOCALCEMIA, FAMILIAL. Identifiers: MedGen C3715128, MONDO:0011013, OMIM 601198.
Familial hypocalciuric hypercalcemia (FHH). Also called: Familial benign hypercalcemia. Identifiers: Orphanet 405, MedGen C1809471, MONDO:0018458.

Submission:

Labcorp Genetics (formerly Invitae), Labcorp
Classification: Uncertain significance for Familial hypocalciuric hypercalcemia; Autosomal dominant hypocalcemia 1. Last evaluated: 2023-09-23. Review status: criteria provided, single submitter. Criteria: Invitae Variant Classification Sherloc (09022015). Collection method: clinical testing. Allele origin: germline.
Comment: This sequence change replaces glycine, which is neutral and non-polar, with alanine, which is neutral and non-polar, at codon 1068 of the CASR protein (p.Gly1068Ala). This variant is not present in population databases (gnomAD no frequency). This variant has not been reported in the literature in individuals affected with CASR-related conditions. An algorithm developed to predict the effect of missense changes on protein structure and function (PolyPhen-2) suggests that this variant is likely to be tolerated. In summary, the available evidence is currently insufficient to determine the role of this variant in disease. Therefore, it has been classified as a Variant of Uncertain Significance.

NM_000388.4(CASR):c.3203G>C (p.Gly1068Ala)

Gene: CASR (calcium sensing receptor; plus strand). Cytogenetic location: 3q21.1.
Variant type: single nucleotide variant.
Coding change: c.3203G>C on transcript NM_000388.4 (MANE Select); coding-DNA position 3203, G replaced by C.
Protein change: p.Gly1068Ala; replaces glycine 1068 with alanine.
Molecular consequence: missense variant.
Genome position (GRCh38, 1-based): chr3:122,285,157, G>C. VCF-style: chr3-122285157-G-C. GRCh37 (hg19) VCF-style: chr3-122004004-G-C.
Other names: c.3233G>C, p.Gly1078Ala (NM_001178065.2); short protein forms G1068A, G1078A.
Identifiers: ClinVar variation 2952205 (VCV002952205.3), dbSNP rs1193543664, ClinGen allele CA354161773.